The following is an entry in ClinVar:

NM_000310.4(PPT1):c.67G>A (p.Ala23Thr)

Gene: PPT1 (palmitoyl-protein thioesterase 1; minus strand). Cytogenetic location: 1p34.2.
Variant type: single nucleotide variant.
Coding change: c.67G>A on transcript NM_000310.4 (MANE Select); coding-DNA position 67, G replaced by A.
Protein change: p.Ala23Thr; replaces alanine 23 with threonine.
Molecular consequence: missense variant.
Genome position (GRCh38, 1-based): chr1:40,097,172, C>T on the plus strand (G>A on the coding strand, the complement: PPT1 is on the minus strand). VCF-style: chr1-40097172-C-T. GRCh37 (hg19) VCF-style: chr1-40562844-C-T.
Other names: c.67G>A, p.Ala23Thr (NM_001142604.2, NM_001363695.2); short protein forms A23T.
Identifiers: ClinVar variation 1755510 (VCV001755510.2), dbSNP rs749769486, ClinGen allele CA21021092.

ClinVar aggregate classification (germline): Uncertain significance (1 of 4 stars; one submission).

Conditions:
Inborn genetic diseases. Identifiers: MedGen C0950123, MeSH D030342.

Allele frequency attached by ClinVar (database versions not stated): gnomAD 0.00001; TOPMed 0.00002.
gnomAD v4.1: 1 of 1,614,018 alleles (0.000062%); highest among the groups gnomAD compares: African/African-American, 0.0013%; no homozygotes.

Submission:

Ambry Genetics
Classification: Uncertain significance for Inborn genetic diseases. Last evaluated: 2019-06-14. Review status: criteria provided, single submitter. Criteria: Ambry Variant Classification Scheme 2023. Collection method: clinical testing. Allele origin: germline.
Comment: The p.A23T variant (also known as c.67G>A), located in coding exon 1 of the PPT1 gene, results from a G to A substitution at nucleotide position 67. The alanine at codon 23 is replaced by threonine, an amino acid with similar properties. This amino acid position is not well conserved in available vertebrate species, and threonine is the reference amino acid in other vertebrate species. In addition, the in silico prediction for this alteration is inconclusive. Since supporting evidence is limited at this time, the clinical significance of this alteration remains unclear.